The following is an entry in ClinVar:

NM_001023570.4(IQCB1):c.491T>C (p.Leu164Pro)

Gene: IQCB1 (IQ motif containing B1; minus strand). Cytogenetic location: 3q13.33.
Variant type: single nucleotide variant.
Coding change: c.491T>C on transcript NM_001023570.4 (MANE Select); coding-DNA position 491, T replaced by C.
Protein change: p.Leu164Pro; replaces leucine 164 with proline.
Molecular consequence: missense variant. On other transcripts: non-coding transcript variant (1).
Genome position (GRCh38, 1-based): chr3:121,807,440, A>G on the plus strand (T>C on the coding strand, the complement: IQCB1 is on the minus strand). VCF-style: chr3-121807440-A-G. GRCh37 (hg19) VCF-style: chr3-121526287-A-G.
Other names: c.491T>C, p.Leu164Pro (NM_001023571.4, NM_001319107.2); short protein forms L164P.
Identifiers: ClinVar variation 1044101 (VCV001044101.7), dbSNP rs746194022, ClinGen allele CA2567388.

ClinVar aggregate classification (germline): Uncertain significance. Review status: criteria provided, multiple submitters, no conflicts (2 of 4 stars). 2 submissions from 2 submitters: Uncertain significance (2). Last evaluated 2022-03-12.

Conditions:
Nephronophthisis. Also called: Juvenile Nephronophthisis. Identifiers: Orphanet 655, MedGen C0687120, MONDO:0019005, HP:0000090.
Senior-Loken syndrome 5 (SLSN5). Identifiers: Orphanet 3156, MedGen C1836517, MONDO:0012225, OMIM 609254.

Allele frequency attached by ClinVar (database versions not stated): ExAC 0.00001.
gnomAD v4.1: 4 of 1,415,784 alleles (0.00028%); highest among the groups gnomAD compares: Middle Eastern, 0.018%; no homozygotes.

Submissions (2):

Labcorp Genetics (formerly Invitae), Labcorp
Classification: Uncertain significance for Nephronophthisis. Last evaluated: 2022-03-12. Review status: criteria provided, single submitter. Criteria: Invitae Variant Classification Sherloc (09022015). Collection method: clinical testing. Allele origin: germline.
Comment: In summary, the available evidence is currently insufficient to determine the role of this variant in disease. Therefore, it has been classified as a Variant of Uncertain Significance. Algorithms developed to predict the effect of missense changes on protein structure and function (SIFT, PolyPhen-2, Align-GVGD) all suggest that this variant is likely to be disruptive. ClinVar contains an entry for this variant (Variation ID: 1044101). This variant has not been reported in the literature in individuals affected with IQCB1-related conditions. This variant is present in population databases (rs746194022, gnomAD 0.0009%). This sequence change replaces leucine, which is neutral and non-polar, with proline, which is neutral and non-polar, at codon 164 of the IQCB1 protein (p.Leu164Pro).

Fulgent Genetics
Classification: Uncertain significance for Senior-Loken syndrome 5. Last evaluated: 2021-08-19. Review status: criteria provided, single submitter. Criteria: ACMG Guidelines, 2015. Collection method: clinical testing. Allele origin: unknown.